The following is an entry in ClinVar:

ClinVar aggregate classification (germline): Uncertain significance. Review status: criteria provided, multiple submitters, no conflicts (2 of 4 stars). 2 submissions from 2 submitters: Uncertain significance (2). Last evaluated 2024-05-01.

Conditions:
Dilated cardiomyopathy 1AA (CMD1AA). Also called: Cardiomyopathy, dilated, 1AA, with or without LVNC; CARDIOMYOPATHY, DILATED, 1AA, WITH OR WITHOUT LEFT VENTRICULAR NONCOMPACTION; CARDIOMYOPATHY, FAMILIAL HYPERTROPHIC, 23, WITH OR WITHOUT LEFT VENTRICULAR NONCOMPACTION. Identifiers: Orphanet 154, MedGen C2677338, MONDO:0012808, OMIM 612158.
Primary familial hypertrophic cardiomyopathy (HCM). Identifiers: Orphanet 99739, MedGen C0949658, MeSH D024741, MONDO:0024573. Inheritance: Various modes of inheritance.

Submissions (2):

CeGaT Center for Human Genetics Tuebingen
Classification: Uncertain significance. Last evaluated: 2024-05-01. Review status: criteria provided, single submitter. Criteria: CeGaT Center For Human Genetics Tuebingen Variant Classification Criteria Version 2. Collection method: clinical testing. Allele origin: germline. Affected: yes. Observed: 1 variant allele.
Comment: ACTN2: PM2

Labcorp Genetics (formerly Invitae), Labcorp
Classification: Uncertain significance for Primary familial hypertrophic cardiomyopathy; Dilated cardiomyopathy 1AA. Last evaluated: 2024-03-16. Review status: criteria provided, single submitter. Criteria: Invitae Variant Classification Sherloc (09022015). Collection method: clinical testing. Allele origin: germline.
Comment: This sequence change replaces isoleucine, which is neutral and non-polar, with threonine, which is neutral and polar, at codon 21 of the ACTN2 protein (p.Ile21Thr). This variant is not present in population databases (gnomAD no frequency). This variant has not been reported in the literature in individuals affected with ACTN2-related conditions. Advanced modeling of protein sequence and biophysical properties (such as structural, functional, and spatial information, amino acid conservation, physicochemical variation, residue mobility, and thermodynamic stability) performed at Invitae indicates that this missense variant is not expected to disrupt ACTN2 protein function with a negative predictive value of 80%. In summary, the available evidence is currently insufficient to determine the role of this variant in disease. Therefore, it has been classified as a Variant of Uncertain Significance.

NM_001103.4(ACTN2):c.62T>C (p.Ile21Thr)

Gene: ACTN2 (actinin alpha 2; plus strand). Cytogenetic location: 1q43.
Variant type: single nucleotide variant.
Coding change: c.62T>C on transcript NM_001103.4 (MANE Select); coding-DNA position 62, T replaced by C.
Protein change: p.Ile21Thr; replaces isoleucine 21 with threonine.
Molecular consequence: missense variant. On other transcripts: non-coding transcript variant (1).
Genome position (GRCh38, 1-based): chr1:236,686,735, T>C. VCF-style: chr1-236686735-T-C. GRCh37 (hg19) VCF-style: chr1-236850035-T-C.
Other names: c.62T>C, p.Ile21Thr (NM_001278343.2); c.-760T>C (NM_001278344.2); c.-885T>C (NM_001412150.1); short protein forms I21T.
Identifiers: ClinVar variation 3239568 (VCV003239568.21), dbSNP rs2527438243.